The following is an entry in ClinVar:

NM_001042432.2(CLN3):c.793T>G (p.Ser265Ala)

Gene: CLN3 (CLN3 lysosomal/endosomal transmembrane protein, battenin; minus strand). Cytogenetic location: 16p12.1.
Variant type: single nucleotide variant.
Coding change: c.793T>G on transcript NM_001042432.2 (MANE Select); coding-DNA position 793, T replaced by G.
Protein change: p.Ser265Ala; replaces serine 265 with alanine.
Molecular consequence: missense variant.
Genome position (GRCh38, 1-based): chr16:28,482,670, A>C on the plus strand (T>G on the coding strand, the complement: CLN3 is on the minus strand). VCF-style: chr16-28482670-A-C. GRCh37 (hg19) VCF-style: chr16-28493991-A-C.
Other names: c.793T>G, p.Ser265Ala (NM_000086.2); c.721T>G, p.Ser241Ala (NM_001286104.2); c.493T>G, p.Ser165Ala (NM_001286105.2); c.559T>G, p.Ser187Ala (NM_001286109.2); c.631T>G, p.Ser211Ala (NM_001286110.2); short protein forms S165A, S187A, S211A, S241A, S265A.
Identifiers: ClinVar variation 1309562 (VCV001309562.6), dbSNP rs2141704251, ClinGen allele CA395344673.

ClinVar aggregate classification (germline): Uncertain significance. Review status: criteria provided, multiple submitters, no conflicts (2 of 4 stars). 2 submissions from 2 submitters: Uncertain significance (2). Last evaluated 2021-09-02.

Conditions:
Neuronal ceroid lipofuscinosis. Also called: Neuronal Ceroid Lipofuscinoses. Identifiers: Orphanet 216, Orphanet 79263, MedGen C0027877, MONDO:0016295. Disease mechanism: loss of function.

Allele frequency attached by ClinVar (database versions not stated): gnomAD exomes below 0.00001.
gnomAD v4.1: 1 of 1,614,174 alleles (0.000062%); highest among the groups gnomAD compares: Admixed American, 0.0017%; no homozygotes.

Submissions (2):

Labcorp Genetics (formerly Invitae), Labcorp
Classification: Uncertain significance for Neuronal ceroid lipofuscinosis. Last evaluated: 2021-09-02. Review status: criteria provided, single submitter. Criteria: Invitae Variant Classification Sherloc (09022015). Collection method: clinical testing. Allele origin: germline.
Comment: This sequence change replaces serine with alanine at codon 265 of the CLN3 protein (p.Ser265Ala). The serine residue is weakly conserved and there is a moderate physicochemical difference between serine and alanine. This variant is not present in population databases (ExAC no frequency). This variant has not been reported in the literature in individuals affected with CLN3-related conditions. Algorithms developed to predict the effect of missense changes on protein structure and function output the following: SIFT: "Tolerated"; PolyPhen-2: "Benign"; Align-GVGD: "Class C0". The alanine amino acid residue is found in multiple mammalian species, which suggests that this missense change does not adversely affect protein function. In summary, the available evidence is currently insufficient to determine the role of this variant in disease. Therefore, it has been classified as a Variant of Uncertain Significance.

GeneDx
Classification: Uncertain significance. Last evaluated: 2019-10-24. Review status: criteria provided, single submitter. Criteria: GeneDx Variant Classification Process June 2021. Collection method: clinical testing. Allele origin: germline. Affected: yes.
Comment: Not observed in large population cohorts (Lek et al., 2016); In silico analysis, which includes protein predictors and evolutionary conservation, supports that this variant does not alter protein structure/function; Has not been previously published as pathogenic or benign to our knowledge